The following is an entry in ClinVar:

ClinVar aggregate classification (germline): Uncertain significance (1 of 4 stars; one submission).

Allele frequency attached by ClinVar (database versions not stated): gnomAD 0.00002; gnomAD exomes 0.00002; TOPMed 0.00002.
gnomAD v4.1: 29 of 1,601,254 alleles (0.0018%); highest among the groups gnomAD compares: Non-Finnish European, 0.0025%; no homozygotes.

Submission:

Labcorp Genetics (formerly Invitae), Labcorp
Classification: Uncertain significance. Last evaluated: 2025-02-03. Review status: criteria provided, single submitter. Criteria: Invitae Variant Classification Sherloc (09022015). Collection method: clinical testing. Allele origin: germline.
Comment: This sequence change replaces methionine, which is neutral and non-polar, with threonine, which is neutral and polar, at codon 547 of the RIPK1 protein (p.Met547Thr). This variant is present in population databases (rs115193568, gnomAD 0.003%). This variant has not been reported in the literature in individuals affected with RIPK1-related conditions. ClinVar contains an entry for this variant (Variation ID: 1961604). An algorithm developed to predict the effect of missense changes on protein structure and function (PolyPhen-2) suggests that this variant is likely to be disruptive. In summary, the available evidence is currently insufficient to determine the role of this variant in disease. Therefore, it has been classified as a Variant of Uncertain Significance.

NM_001354930.2(RIPK1):c.1640T>C (p.Met547Thr)

Gene: RIPK1 (receptor interacting serine/threonine kinase 1; plus strand). Cytogenetic location: 6p25.2.
Variant type: single nucleotide variant.
Coding change: c.1640T>C on transcript NM_001354930.2 (MANE Select); coding-DNA position 1640, T replaced by C.
Protein change: p.Met547Thr; replaces methionine 547 with threonine.
Molecular consequence: missense variant.
Genome position (GRCh38, 1-based): chr6:3,110,866, T>C. VCF-style: chr6-3110866-T-C. GRCh37 (hg19) VCF-style: chr6-3111100-T-C.
Other names: c.1151T>C, p.Met384Thr (NM_001317061.3, NM_001354932.2, NM_001354933.2 and 1 more transcripts); c.1502T>C, p.Met501Thr (NM_001354931.2); c.1640T>C, p.Met547Thr (NM_003804.6); short protein forms M501T, M547T, M384T.
Identifiers: ClinVar variation 1961604 (VCV001961604.5), dbSNP rs115193568, ClinGen allele CA133457235.